The following is an entry in ClinVar:

NM_018896.5(CACNA1G):c.5099C>T (p.Ser1700Leu)

Gene: CACNA1G (calcium voltage-gated channel subunit alpha1 G; plus strand). Cytogenetic location: 17q21.33.
Variant type: single nucleotide variant.
Coding change: c.5099C>T on transcript NM_018896.5 (MANE Select); coding-DNA position 5099, C replaced by T.
Protein change: p.Ser1700Leu; replaces serine 1700 with leucine.
Molecular consequence: missense variant. On other transcripts: non-coding transcript variant (5).
Genome position (GRCh38, 1-based): chr17:50,617,515, C>T. VCF-style: chr17-50617515-C-T. GRCh37 (hg19) VCF-style: chr17-48694876-C-T.
Other names: c.4976C>T, p.Ser1659Leu (NM_198388.3); c.4997C>T, p.Ser1666Leu (NM_198396.3, NM_001256329.2, NM_198376.3 and 2 more transcripts); c.5045C>T, p.Ser1682Leu (NM_001256324.2, NM_001256328.2, NM_198386.3); c.5120C>T, p.Ser1707Leu (NM_001256325.2); c.4964C>T, p.Ser1655Leu (NM_001256326.2, NM_001256330.2); c.5099C>T, p.Ser1700Leu (NM_001256327.2, NM_001256333.2, NM_198384.3 and 1 more transcripts); c.4943C>T, p.Ser1648Leu (NM_001256331.2); c.4928C>T, p.Ser1643Leu (NM_001256332.2); and 5 more; short protein forms S1643L, S1648L, S1655L, S1659L, S1662L, S1664L, S1666L, S1673L.
Identifiers: ClinVar variation 3365643 (VCV003365643.2).

ClinVar aggregate classification (germline): Uncertain significance. Review status: criteria provided, multiple submitters, no conflicts (2 of 4 stars). 2 submissions from 2 submitters: Uncertain significance (2). Last evaluated 2026-02-25.

Conditions:
CACNA1G-related disorder. Also called: CACNA1G-related disorders; CACNA1G-related condition.

gnomAD v4.1: 1 of 1,614,054 alleles (0.000062%); highest among the groups gnomAD compares: Non-Finnish European, 0.000085%; no homozygotes.

Submissions (2):

PreventionGenetics, part of Exact Sciences
Classification: Uncertain significance for CACNA1G-related condition. Last evaluated: 2026-02-25. Review status: criteria provided, single submitter. Criteria: ACMG Guidelines, 2015. Collection method: clinical testing. Allele origin: germline.
Comment: The CACNA1G c.5099C>T variant is predicted to result in the amino acid substitution p.Ser1700Leu. To our knowledge, this variant has not been reported in the literature or in a large population database (gnomAD), indicating this variant is rare. At this time, the clinical significance of this variant is uncertain due to the absence of conclusive functional and genetic evidence.

GeneDx
Classification: Uncertain significance. Last evaluated: 2024-01-03. Review status: criteria provided, single submitter. Criteria: GeneDx Variant Classification Process June 2021. Collection method: clinical testing. Allele origin: germline. Affected: yes.
Comment: Not observed at significant frequency in large population cohorts (gnomAD); In silico analysis supports that this missense variant has a deleterious effect on protein structure/function; Has not been previously published as pathogenic or benign to our knowledge